The following is an entry in ClinVar:

NM_005413.4(SIX3):c.786C>A (p.Arg262=)

Gene: SIX3 (SIX homeobox 3; plus strand). Cytogenetic location: 2p21.
Variant type: single nucleotide variant.
Coding change: c.786C>A on transcript NM_005413.4 (MANE Select); coding-DNA position 786, C replaced by A.
Protein change: p.Arg262=; no amino-acid change (arginine 262 retained).
Molecular consequence: synonymous variant.
Genome position (GRCh38, 1-based): chr2:44,942,890, C>A. VCF-style: chr2-44942890-C-A. GRCh37 (hg19) VCF-style: chr2-45170029-C-A.
Other names: c.786C>A (NM_005413.3).
Identifiers: ClinVar variation 498484 (VCV000498484.13), dbSNP rs778895549, ClinGen allele CA1642369.

ClinVar aggregate classification (germline): Conflicting classifications of pathogenicity. Review status: criteria provided, conflicting classifications (1 of 4 stars). 3 submissions from 3 submitters: Uncertain significance (1); Likely benign (2). Last evaluated 2025-10-01.

Conditions:
SIX3-related disorder. Also called: SIX3-related condition; SIX3-Related Disorders.
Holoprosencephaly 2 (HPE2). Identifiers: Orphanet 2162, MedGen C1834877, MONDO:0007999, OMIM 157170.

Allele frequency attached by ClinVar (database versions not stated): ExAC 0.00001; gnomAD 0.00001; gnomAD exomes 0.00001; TOPMed 0.00001.
gnomAD v4.1: 48 of 1,598,344 alleles (0.003%); highest among the groups gnomAD compares: Non-Finnish European, 0.004%; no homozygotes.

Submissions (3):

PreventionGenetics, part of Exact Sciences
Classification: Likely benign for SIX3-related condition. Last evaluated: 2025-10-01. Review status: criteria provided, single submitter. Criteria: ACMG Guidelines, 2015. Collection method: clinical testing. Allele origin: germline.
Comment: This variant is classified as likely benign based on ACMG/AMP sequence variant interpretation guidelines (Richards et al. 2015 PMID: 25741868, with internal and published modifications).

Labcorp Genetics (formerly Invitae), Labcorp
Classification: Likely benign for Holoprosencephaly 2. Last evaluated: 2021-08-12. Review status: criteria provided, single submitter. Criteria: Invitae Variant Classification Sherloc (09022015). Collection method: clinical testing. Allele origin: germline.

Eurofins Ntd Llc (ga)
Classification: Uncertain significance. Last evaluated: 2016-12-15. Review status: criteria provided, single submitter. Criteria: EGL Classification Definitions 2015. Collection method: clinical testing. Allele origin: germline. Observed: 1 variant allele, 1 heterozygote.